The following is an entry in ClinVar:

ClinVar aggregate classification (germline): Likely pathogenic (1 of 4 stars; one submission).

Conditions:
Citrin deficiency. Identifiers: Orphanet 247582, MedGen C1997910, MONDO:0016602.

Submission:

Labcorp Genetics (formerly Invitae), Labcorp
Classification: Likely pathogenic for Citrin deficiency. Last evaluated: 2022-10-19. Review status: criteria provided, single submitter. Criteria: Invitae Variant Classification Sherloc (09022015). Collection method: clinical testing. Allele origin: germline.
Comment: This sequence change affects an acceptor splice site in intron 3 of the SLC25A13 gene. It is expected to disrupt RNA splicing. Variants that disrupt the donor or acceptor splice site typically lead to a loss of protein function (PMID: 16199547), and loss-of-function variants in SLC25A13 are known to be pathogenic (PMID: 10369257, 14680984, 27405544). In summary, the currently available evidence indicates that the variant is pathogenic, but additional data are needed to prove that conclusively. Therefore, this variant has been classified as Likely Pathogenic. Algorithms developed to predict the effect of sequence changes on RNA splicing suggest that this variant may disrupt the consensus splice site. This variant has not been reported in the literature in individuals affected with SLC25A13-related conditions. This variant is not present in population databases (gnomAD no frequency).

Literature cited by the submitters: PubMed 16199547; PubMed 10369257; PubMed 14680984; PubMed 27405544.

NM_014251.3(SLC25A13):c.213-2A>C

Gene: SLC25A13 (solute carrier family 25 member 13; minus strand). Cytogenetic location: 7q21.3.
Variant type: single nucleotide variant.
Coding change: c.213-2A>C on transcript NM_014251.3 (MANE Select); the canonical splice acceptor site of the intron before coding-DNA position 213, A replaced by C.
Molecular consequence: splice acceptor variant.
Genome position (GRCh38, 1-based): chr7:96,234,919, T>G on the plus strand (A>C on the coding strand, the complement: SLC25A13 is on the minus strand). VCF-style: chr7-96234919-T-G. GRCh37 (hg19) VCF-style: chr7-95864231-T-G.
Other names: c.213-2A>C (NM_001160210.2).
Identifiers: ClinVar variation 2036119 (VCV002036119.4), dbSNP rs2485974254, ClinGen allele CA368408426.